The following is an entry in ClinVar:

ClinVar aggregate classification (germline): Uncertain significance (1 of 4 stars; one submission).

Submission:

Labcorp Genetics (formerly Invitae), Labcorp
Classification: Uncertain significance. Last evaluated: 2023-09-03. Review status: criteria provided, single submitter. Criteria: Invitae Variant Classification Sherloc (09022015). Collection method: clinical testing. Allele origin: unknown.
Comment: This variant results in a copy number gain of the genomic region encompassing exon(s) 1-4 of the COL4A2 gene. This region includes the initiator codon of the gene. This copy number gain extends beyond the assayed region for this gene and therefore may encompass additional genes. As the precise location of this event is unknown, it may be in tandem or it may be located elsewhere in the genome. This variant has not been reported in the literature in individuals affected with COL4A2-related conditions. In summary, the available evidence is currently insufficient to determine the role of this variant in disease. Therefore, it has been classified as a Variant of Uncertain Significance.

NC_000013.10:g.(?_110802710)_(111009919_?)dup

Genes: COL4A1 (collagen type IV alpha 1 chain; minus strand), COL4A2 (collagen type IV alpha 2 chain; plus strand). Cytogenetic location: 13q34.
Variant type: Duplication.
Identifiers: ClinVar variation 3244211 (VCV003244211.1).